The following is an entry in ClinVar:

NM_177438.3(DICER1):c.1377-21A>C

Gene: DICER1 (dicer 1, ribonuclease III; minus strand). Cytogenetic location: 14q32.13.
Variant type: single nucleotide variant.
Coding change: c.1377-21A>C on transcript NM_177438.3 (MANE Select); 21 bases into the intron before coding-DNA position 1377, A replaced by C.
Molecular consequence: intron variant.
Genome position (GRCh38, 1-based): chr14:95,117,775, T>G on the plus strand (A>C on the coding strand, the complement: DICER1 is on the minus strand). VCF-style: chr14-95117775-T-G. GRCh37 (hg19) VCF-style: chr14-95584112-T-G.
Other names: c.1377-21A>C (NM_001195573.1, NM_001395694.1, NM_001395693.1 and 12 more transcripts); c.972-21A>C (NM_001395696.1, NM_001395698.1, NM_001395690.1 and 3 more transcripts); c.1095-21A>C (NM_001395686.1); c.810-21A>C (NM_001395691.1); c.-192-21A>C (NM_001395697.1).
Identifiers: ClinVar variation 4539140 (VCV004539140.1).

ClinVar aggregate classification (germline): Likely benign (1 of 4 stars; one submission).

Submission:

Center for Genomic Medicine, Rigshospitalet, Copenhagen University Hospital
Classification: Likely benign. Last evaluated: 2025-12-29. Review status: criteria provided, single submitter. Criteria: ACMG Guidelines, 2015. Collection method: clinical testing. Allele origin: germline.
Comment: Classification criteria: BP4, BP7